The following is an entry in ClinVar:

ClinVar aggregate classification (germline): Pathogenic. Review status: criteria provided, multiple submitters, no conflicts (2 of 4 stars). 3 submissions from 3 submitters: Pathogenic (3). Last evaluated 2024-01-16.

Conditions:
Ataxia-telangiectasia syndrome (AT). Also called: ATAXIA-TELANGIECTASIA, COMPLEMENTATION GROUP A; ATAXIA-TELANGIECTASIA, FRESNO VARIANT; Ataxia-telangiectasia; Ataxia-telangiectasia, complementation group D; AT, COMPLEMENTATION GROUP C; Ataxia-telangiectasia, complementation group E. Identifiers: Orphanet 100, MedGen C0004135, MONDO:0008840, OMIM 208900.
Hereditary cancer-predisposing syndrome. Also called: Neoplastic Syndromes, Hereditary; Tumor predisposition; Hereditary Cancer Syndrome; Hereditary neoplastic syndrome. Identifiers: Orphanet 140162, MedGen C0027672, MeSH D009386, MONDO:0015356.
Familial cancer of breast. Also called: hereditary breast carcinoma; BREAST CANCER, FAMILIAL; Hereditary breast cancer. Identifiers: Orphanet 227535, MedGen C0346153, MONDO:0016419, OMIM 114480. Disease mechanism: loss of function.

Submissions (3):

Myriad Genetics, Inc.
Classification: Pathogenic for Familial cancer of breast. Last evaluated: 2024-01-16. Review status: criteria provided, single submitter. Criteria: Myriad Autosomal Dominant, Autosomal Recessive and X-Linked Classification Criteria (2023). Collection method: clinical testing. Allele origin: unknown.
Comment: This variant is considered pathogenic. This variant creates a frameshift predicted to result in premature protein truncation.

Ambry Genetics
Classification: Pathogenic for Hereditary cancer-predisposing syndrome. Last evaluated: 2022-02-23. Review status: criteria provided, single submitter. Criteria: Ambry Variant Classification Scheme 2023. Collection method: clinical testing. Allele origin: germline.
Comment: The c.1838dupT pathogenic mutation, located in coding exon 11 of the ATM gene, results from a duplication of T at nucleotide position 1838, causing a translational frameshift with a predicted alternate stop codon (p.S614Efs*8). This variant is considered to be rare based on population cohorts in the Genome Aggregation Database (gnomAD). This alteration is expected to result in loss of function by premature protein truncation or nonsense-mediated mRNA decay. As such, this alteration is interpreted as a disease-causing mutation.

Labcorp Genetics (formerly Invitae), Labcorp
Classification: Pathogenic for Ataxia-telangiectasia syndrome. Last evaluated: 2021-12-17. Review status: criteria provided, single submitter. Criteria: Invitae Variant Classification Sherloc (09022015). Collection method: clinical testing. Allele origin: germline.
Comment: This sequence change creates a premature translational stop signal (p.Ser614Glufs*8) in the ATM gene. It is expected to result in an absent or disrupted protein product. Loss-of-function variants in ATM are known to be pathogenic (PMID: 23807571, 25614872). This variant is not present in population databases (gnomAD no frequency). This variant has not been reported in the literature in individuals affected with ATM-related conditions. ClinVar contains an entry for this variant (Variation ID: 524367). For these reasons, this variant has been classified as Pathogenic.

Literature cited by the submitters: PubMed 23807571 (cited by Labcorp Genetics (formerly Invitae), Labcorp); PubMed 25614872 (cited by Labcorp Genetics (formerly Invitae), Labcorp).

NM_000051.4(ATM):c.1838dup (p.Ser614fs)

Gene: ATM (ATM serine/threonine kinase; plus strand). Cytogenetic location: 11q22.3.
Variant type: Duplication.
Coding change: c.1838dup on transcript NM_000051.4 (MANE Select); coding-DNA position 1838, one base duplicated (T; older notation c.1838dupT).
Protein change: p.Ser614fs; shifts the reading frame from serine 614.
Molecular consequence: frameshift variant.
Genome position (GRCh38, 1-based): chr11:108,252,852, T duplicated. VCF-style (leftmost placement, unchanged base first): chr11-108252851-G-GT. GRCh37 (hg19) VCF-style: chr11-108123578-G-GT.
Other names: c.1838dupT (NM_000051.3); c.1838dup, p.Ser614fs (NM_001351834.2); short protein forms S614fs.
Identifiers: ClinVar variation 524367 (VCV000524367.8), dbSNP rs1555072492, ClinGen allele CA658797791.